The following is an entry in ClinVar:

NM_023110.3(FGFR1):c.1070C>G (p.Thr357Ser)

Gene: FGFR1 (fibroblast growth factor receptor 1; minus strand). Cytogenetic location: 8p11.23.
Variant type: single nucleotide variant.
Coding change: c.1070C>G on transcript NM_023110.3 (MANE Select); coding-DNA position 1070, C replaced by G.
Protein change: p.Thr357Ser; replaces threonine 357 with serine.
Molecular consequence: missense variant.
Genome position (GRCh38, 1-based): chr8:38,421,808, G>C on the plus strand (C>G on the coding strand, the complement: FGFR1 is on the minus strand). VCF-style: chr8-38421808-G-C. GRCh37 (hg19) VCF-style: chr8-38279326-G-C.
Other names: c.1070C>G, p.Thr357Ser (NM_000604.2, NM_001174063.2); c.1046C>G, p.Thr349Ser (NM_001174064.2); c.1064C>G, p.Thr355Ser (NM_001174065.2, NM_001354367.2, NM_001354369.2 and 2 more transcripts); c.803C>G, p.Thr268Ser (NM_001174066.2, NM_023105.3); c.1163C>G, p.Thr388Ser (NM_001174067.2); c.797C>G, p.Thr266Ser (NM_001354368.2, NM_001354370.2, NM_023106.3); short protein forms T266S, T268S, T349S, T355S, T357S, T388S.
Identifiers: ClinVar variation 1712722 (VCV001712722.2), dbSNP rs1563474774, ClinGen allele CA370734086.

ClinVar aggregate classification (germline): Uncertain significance (1 of 4 stars; one submission).

Allele frequency attached by ClinVar (database versions not stated): gnomAD 0.00001.
gnomAD v4.1: 1 of 1,613,970 alleles (0.000062%); highest among the groups gnomAD compares: Non-Finnish European, 0.000085%; no homozygotes.

Submission:

GeneDx
Classification: Uncertain significance. Last evaluated: 2022-04-29. Review status: criteria provided, single submitter. Criteria: GeneDx Variant Classification Process June 2021. Collection method: clinical testing. Allele origin: germline. Affected: yes.
Comment: In silico analysis supports that this missense variant has a deleterious effect on protein structure/function; Has not been previously published as pathogenic or benign to our knowledge